The following is an entry in ClinVar:

ClinVar aggregate classification (germline): Uncertain significance. Review status: criteria provided, multiple submitters, no conflicts (2 of 4 stars). 4 submissions from 4 submitters: Uncertain significance (4). Last evaluated 2025-11-10.

Conditions:
Hereditary cancer-predisposing syndrome. Also called: Neoplastic Syndromes, Hereditary; Hereditary Cancer Syndrome; Tumor predisposition; Hereditary neoplastic syndrome. Identifiers: Orphanet 140162, MedGen C0027672, MeSH D009386, MONDO:0015356.

Allele frequency attached by ClinVar (database versions not stated): TOPMed below 0.00001.
gnomAD v4.1: 1 of 1,614,050 alleles (0.000062%); highest among the groups gnomAD compares: Non-Finnish European, 0.000085%; no homozygotes.

Submissions (4):

Labcorp Genetics (formerly Invitae), Labcorp
Classification: Uncertain significance. Last evaluated: 2025-11-10. Review status: criteria provided, single submitter. Criteria: Invitae Variant Classification Sherloc (09022015). Collection method: clinical testing. Allele origin: germline.
Comment: This sequence change replaces proline, which is neutral and non-polar, with serine, which is neutral and polar, at codon 620 of the POLE protein (p.Pro620Ser). This variant is present in population databases (no rsID available, gnomAD 0.0009%). This variant has not been reported in the literature in individuals affected with POLE-related conditions. ClinVar contains an entry for this variant (Variation ID: 505537). Invitae Evidence Modeling of protein sequence and biophysical properties (such as structural, functional, and spatial information, amino acid conservation, physicochemical variation, residue mobility, and thermodynamic stability) indicates that this missense variant is expected to disrupt POLE protein function with a positive predictive value of 80%. In summary, the available evidence is currently insufficient to determine the role of this variant in disease. Therefore, it has been classified as a Variant of Uncertain Significance.

Ambry Genetics
Classification: Uncertain significance for Hereditary cancer-predisposing syndrome. Last evaluated: 2025-06-06. Review status: criteria provided, single submitter. Criteria: Ambry Variant Classification Scheme 2023. Collection method: clinical testing. Allele origin: germline.
Comment: The p.P620S variant (also known as c.1858C>T), located in coding exon 17 of the POLE gene, results from a C to T substitution at nucleotide position 1858. The proline at codon 620 is replaced by serine, an amino acid with similar properties. This amino acid position is conserved. In addition, the in silico prediction for this alteration is inconclusive. Based on the available evidence, the clinical significance of this variant remains unclear.

Women's Health and Genetics/Laboratory Corporation of America, LabCorp
Classification: Uncertain significance. Last evaluated: 2018-09-25. Review status: criteria provided, single submitter. Criteria: LabCorp Variant Classification Summary - May 2015. Collection method: clinical testing. Allele origin: germline.
Comment: Variant summary: POLE c.1858C>T (p.Pro620Ser) results in a non-conservative amino acid change in the encoded protein sequence. Four of five in-silico tools predict a damaging effect of the variant on protein function. The variant allele was found at a frequency of 4.1e-06 in 246242 control chromosomes (gnomAD). The available data on variant occurrences in the general population are insufficient to allow any conclusion about variant significance. To our knowledge, no occurrence of c.1858C>T in individuals affected with Colorectal Cancer and no experimental evidence demonstrating its impact on protein function have been reported. A ClinVar submission from a clinical diagnostic laboratory (evaluation after 2014) cites the variant as uncertain significance. Based on the evidence outlined above, the variant was classified as uncertain significance.

Laboratory for Molecular Medicine, Mass General Brigham Personalized Medicine
Classification: Uncertain significance. Last evaluated: 2017-02-06. Review status: criteria provided, single submitter. Criteria: LMM Criteria. Collection method: clinical testing. Allele origin: germline. Observed: 1 variant allele.
Comment: The p.Pro620Ser variant in POLE has not been previously reported in individuals with colorectal cancer or in large population studies. Computational prediction tools and conservation analysis suggest that the p.Pro620Ser variant may impact the protein, though this information is not predictive enough to determine patho genicity. In summary, the clinical significance of the p.Pro620Ser variant is un certain.

NM_006231.4(POLE):c.1858C>T (p.Pro620Ser)

Gene: POLE (DNA polymerase epsilon, catalytic subunit; minus strand). Cytogenetic location: 12q24.33.
Variant type: single nucleotide variant.
Coding change: c.1858C>T on transcript NM_006231.4 (MANE Select); coding-DNA position 1858, C replaced by T.
Protein change: p.Pro620Ser; replaces proline 620 with serine.
Molecular consequence: missense variant.
Genome position (GRCh38, 1-based): chr12:132,668,876, G>A on the plus strand (C>T on the coding strand, the complement: POLE is on the minus strand). VCF-style: chr12-132668876-G-A. GRCh37 (hg19) VCF-style: chr12-133245462-G-A.
Other names: short protein forms P620S.
Identifiers: ClinVar variation 505537 (VCV000505537.19), dbSNP rs979085449, ClinGen allele CA246289528.